The following is an entry in ClinVar:

ClinVar aggregate classification (germline): Conflicting classifications of pathogenicity. Review status: criteria provided, conflicting classifications (1 of 4 stars). 17 submissions from 13 submitters: Uncertain significance (3); Benign (3); Likely benign (8). 3 of the submissions do not count toward it. Last evaluated 2026-08-01.

Conditions:
Cardiovascular phenotype. Identifiers: MedGen CN230736.
TTN-related disorder. Also called: TTN-related disorders; TTN-related condition; TTN-related disease.
Autosomal recessive limb-girdle muscular dystrophy type 2J (LGMDR10). Also called: Limb-girdle muscular dystrophy, type 2J; MUSCULAR DYSTROPHY, LIMB-GIRDLE, AUTOSOMAL RECESSIVE 10. Identifiers: Orphanet 140922, MedGen C1837342, MONDO:0012127, OMIM 608807.
Dilated cardiomyopathy 1G (CMD1G). Identifiers: Orphanet 154, MedGen C1858763, MONDO:0011400, OMIM 604145.
Cardiomyopathy (CMYO). Also called: Cardiomyopathies. Identifiers: Orphanet 167848, MedGen C0878544, MONDO:0004994, HP:0001638. Inheritance: Various modes of inheritance.
Early-onset myopathy with fatal cardiomyopathy (CMYO5). Also called: Salih Myopathy; CONGENITAL MYOPATHY 5 WITH CARDIOMYOPATHY. Identifiers: Orphanet 289377, MedGen C2673677, MONDO:0012714, OMIM 611705. Disease mechanism: loss of function.
Myopathy, myofibrillar, 9, with early respiratory failure (MFM9). Also called: EDSTROM MYOPATHY; MYOPATHY, PROXIMAL, WITH EARLY RESPIRATORY MUSCLE INVOLVEMENT; Hereditary myopathy with early respiratory failure; Myopathy, distal, with early respiratory failure, autosomal dominant. Identifiers: Orphanet 178464, Orphanet 34521, MedGen C1863599, MONDO:0011362, OMIM 603689.
Tibial muscular dystrophy (TMD). Also called: Udd Distal Myopathy – Tibial Muscular Dystrophy; Tibial muscular dystrophy, tardive; UDD MYOPATHY. Identifiers: Orphanet 609, MedGen C1838244, MONDO:0010870, OMIM 600334.

Allele frequency attached by ClinVar (database versions not stated): gnomAD 0.00010 and 0.00019; TOPMed 0.00020; 1000 Genomes Project 30x 0.00031; 1000 Genomes Project 0.00040.
gnomAD v4.1: 223 of 1,612,438 alleles (0.014%); highest among the groups gnomAD compares: East Asian, 0.3%; 2 homozygotes.

Submissions (17):

CeGaT Center for Human Genetics Tuebingen
Classification: Likely benign. Last evaluated: 2026-08-01. Review status: criteria provided, single submitter. Criteria: CeGaT Center For Human Genetics Tuebingen Variant Classification Criteria Version 2. Collection method: clinical testing. Allele origin: germline. Affected: yes. Observed: 2 variant alleles.
Comment: TTN: BP4

Labcorp Genetics (formerly Invitae), Labcorp
Classification: Likely benign for Dilated cardiomyopathy 1G; Autosomal recessive limb-girdle muscular dystrophy type 2J. Last evaluated: 2026-02-03. Review status: criteria provided, single submitter. Criteria: Invitae Variant Classification Sherloc (09022015). Collection method: clinical testing. Allele origin: germline.

Women's Health and Genetics/Laboratory Corporation of America, LabCorp
Classification: Likely benign. Last evaluated: 2025-11-12. Review status: criteria provided, single submitter. Criteria: LabCorp Variant Classification Summary - May 2015. Collection method: clinical testing. Allele origin: germline.
Comment: Variant summary: TTN c.64598C>A (p.Thr21533Asn) results in a non-conservative amino acid change located in the A-band region of the encoded protein sequence. Algorithms developed to predict the effect of missense changes on protein structure and function are either unavailable or do not agree on the potential impact of this missense change. The variant allele was found at a frequency of 0.00039 in 248272 control chromosomes, predominantly at a frequency of 0.0044 within the East Asian subpopulation in the gnomAD database. The observed variant frequency within East Asian control individuals in the gnomAD database exceeds the estimated maximal expected allele frequency for disease-causing variants in TTN. c.64598C>A has been reported in the literature in at least one individual affected with Dilated Cardiomyopathy, however the variant was classified as benign in the publication in which it was reported (e.g., Guelly_2021). This report therefore does not provide unequivocal conclusions about association of the variant with Dilated Cardiomyopathy. To our knowledge, no experimental evidence demonstrating an impact on protein function has been reported. The following publication has been ascertained in the context of this evaluation (PMID: 33552729). ClinVar contains an entry for this variant (Variation ID: 165847). Based on the evidence outlined above, the variant was classified as likely benign.

Blueprint Genetics
Classification: Likely benign. Last evaluated: 2024-10-25. Review status: criteria provided, single submitter. Criteria: ACMG Guidelines, 2015. Collection method: clinical testing. Allele origin: germline.

CHEO Genetics Diagnostic Laboratory, Children's Hospital of Eastern Ontario
Classification: Benign for Cardiomyopathy. Last evaluated: 2023-05-16. Review status: criteria provided, single submitter. Criteria: ACMG Guidelines, 2015. Collection method: clinical testing. Allele origin: germline.

GeneDx
Classification: Likely benign. Last evaluated: 2021-03-03. Review status: criteria provided, single submitter. Criteria: GeneDx Variant Classification Process June 2021. Collection method: clinical testing. Allele origin: germline. Affected: yes.

Ambry Genetics
Classification: Likely benign for Cardiovascular phenotype. Last evaluated: 2018-08-28. Review status: criteria provided, single submitter. Criteria: Ambry Variant Classification Scheme 2023. Collection method: clinical testing. Allele origin: germline.

Eurofins Ntd Llc (ga)
Classification: Likely benign. Last evaluated: 2018-07-02. Review status: criteria provided, single submitter. Criteria: EGL ClinVar v180209 classification definitions. Collection method: clinical testing. Allele origin: germline. Observed: 3 variant alleles, 3 heterozygotes.

Illumina Laboratory Services, Illumina
Classification: Benign for Myopathy, myofibrillar, 9, with early respiratory failure. Last evaluated: 2017-08-01. Review status: criteria provided, single submitter. Criteria: ICSL Variant Classification Criteria 13 December 2019. Collection method: clinical testing. Allele origin: germline.
Comment: This variant was observed as part of a predisposition screen in an ostensibly healthy population. A literature search was performed for the gene, cDNA change, and amino acid change (where applicable). No publications were found based on this search. Allele frequency data from public databases was too high to be consistent with this variant causing disease. Therefore, this variant is classified as benign.

Illumina Laboratory Services, Illumina
Classification: Benign for Tibial muscular dystrophy. Last evaluated: 2017-08-01. Review status: criteria provided, single submitter. Criteria: ICSL Variant Classification Criteria 13 December 2019. Collection method: clinical testing. Allele origin: germline.
Comment: the same text as in the submission from Illumina Laboratory Services, Illumina above.

Illumina Laboratory Services, Illumina
Classification: Uncertain significance for Early-onset myopathy with fatal cardiomyopathy. Last evaluated: 2017-04-27. Review status: criteria provided, single submitter. Criteria: ICSL Variant Classification Criteria 13 December 2019. Collection method: clinical testing. Allele origin: germline.

Illumina Laboratory Services, Illumina
Classification: Uncertain significance for Autosomal recessive limb-girdle muscular dystrophy type 2J. Last evaluated: 2017-04-27. Review status: criteria provided, single submitter. Criteria: ICSL Variant Classification Criteria 13 December 2019. Collection method: clinical testing. Allele origin: germline.

Illumina Laboratory Services, Illumina
Classification: Uncertain significance for Dilated cardiomyopathy 1G. Last evaluated: 2017-04-27. Review status: criteria provided, single submitter. Criteria: ICSL Variant Classification Criteria 13 December 2019. Collection method: clinical testing. Allele origin: germline.

Laboratory for Molecular Medicine, Mass General Brigham Personalized Medicine
Classification: Likely benign. Last evaluated: 2015-02-03. Review status: criteria provided, single submitter. Criteria: LMM Criteria. Collection method: clinical testing. Allele origin: germline. Observed: 2 variant alleles.
Comment: p.Thr21533Asn in exon 275 of TTN: This variant is not expected to have clinical significance it has been identified in 0.44% (37/8486) of East Asian chromosomes by the Exome Aggregation Consortium (ExAC; dbSN P rs192962624).

PreventionGenetics, part of Exact Sciences
Classification: Likely benign for TTN-related condition. Last evaluated: 2021-02-15. Review status: no assertion criteria provided. Collection method: clinical testing. Allele origin: germline. Not counted in ClinVar's aggregate classification.
Comment: This variant is classified as likely benign based on ACMG/AMP sequence variant interpretation guidelines (Richards et al. 2015 PMID: 25741868, with internal and published modifications).

Clinical Genetics DNA and cytogenetics Diagnostics Lab, Erasmus MC, Erasmus Medical Center
Classification: Likely benign. Review status: no assertion criteria provided. Collection method: clinical testing. Allele origin: germline. Affected: yes. Study: VKGL Data-share Consensus. Not counted in ClinVar's aggregate classification.

Clinical Genetics, Academic Medical Center
Classification: Benign. Review status: no assertion criteria provided. Collection method: clinical testing. Allele origin: germline. Affected: yes. Study: VKGL Data-share Consensus. Not counted in ClinVar's aggregate classification.

Literature cited by the submitters: PubMed 33552729 (cited by Women's Health and Genetics/Laboratory Corporation of America, LabCorp).

NM_001267550.2(TTN):c.72302C>A (p.Thr24101Asn)

Genes: TTN (titin; minus strand), TTN-AS1 (TTN antisense RNA 1; plus strand). Cytogenetic location: 2q31.2.
Variant type: single nucleotide variant.
Coding change: c.72302C>A on transcript NM_001267550.2 (MANE Select); coding-DNA position 72302, C replaced by A.
Protein change: p.Thr24101Asn; replaces threonine 24101 with asparagine.
Molecular consequence: missense variant.
Genome position (GRCh38, 1-based): chr2:178,573,830, G>T on the plus strand (C>A on the coding strand, the complement: TTN is on the minus strand). VCF-style: chr2-178573830-G-T. GRCh37 (hg19) VCF-style: chr2-179438557-G-T.
Other names: c.67379C>A, p.Thr22460Asn (NM_001256850.1); c.45107C>A, p.Thr15036Asn (NM_003319.4); c.45482C>A, p.Thr15161Asn (NM_133432.3); c.45683C>A, p.Thr15228Asn (NM_133437.4); c.64598C>A, p.Thr21533Asn (NM_133378.4); short protein forms T21533N, T24101N, T15161N, T15228N, T22460N, T15036N.
Identifiers: ClinVar variation 165847 (VCV000165847.65), dbSNP rs192962624, ClinGen allele CA178513.